The following is an entry in ClinVar:

NM_014846.4(WASHC5):c.1972A>G (p.Lys658Glu)

Gene: WASHC5 (WASH complex subunit 5; minus strand). Cytogenetic location: 8q24.13.
Variant type: single nucleotide variant.
Coding change: c.1972A>G on transcript NM_014846.4 (MANE Select); coding-DNA position 1972, A replaced by G.
Protein change: p.Lys658Glu; replaces lysine 658 with glutamic acid.
Molecular consequence: missense variant.
Genome position (GRCh38, 1-based): chr8:125,056,721, T>C on the plus strand (A>G on the coding strand, the complement: WASHC5 is on the minus strand). VCF-style: chr8-125056721-T-C. GRCh37 (hg19) VCF-style: chr8-126068963-T-C.
Other names: c.1528A>G, p.Lys510Glu (NM_001330609.2); short protein forms K510E, K658E.
Identifiers: ClinVar variation 1961747 (VCV001961747.5), dbSNP rs767327987, ClinGen allele CA4873667.

ClinVar aggregate classification (germline): Uncertain significance (1 of 4 stars; one submission).

Conditions:
Hereditary spastic paraplegia 8 (SPG8). Also called: SPASTIC PARAPLEGIA 8, AUTOSOMAL DOMINANT. Identifiers: Orphanet 100989, MedGen C1863704, MONDO:0011339, OMIM 603563.
Ritscher-Schinzel syndrome. Also called: CRANIOCEREBELLOCARDIAC DYSPLASIA. Identifiers: Orphanet 7, MedGen C0796137, MONDO:0019078.

Allele frequency attached by ClinVar (database versions not stated): TOPMed below 0.00001; gnomAD exomes 0.00001; ExAC 0.00002.
gnomAD v4.1: 3 of 1,614,176 alleles (0.00019%); highest among the groups gnomAD compares: Admixed American, 0.005%; no homozygotes.

Submission:

Labcorp Genetics (formerly Invitae), Labcorp
Classification: Uncertain significance for Ritscher-Schinzel syndrome; Hereditary spastic paraplegia 8. Last evaluated: 2025-11-10. Review status: criteria provided, single submitter. Criteria: Invitae Variant Classification Sherloc (09022015). Collection method: clinical testing. Allele origin: germline.
Comment: This sequence change replaces lysine, which is basic and polar, with glutamic acid, which is acidic and polar, at codon 658 of the WASHC5 protein (p.Lys658Glu). This variant is present in population databases (rs767327987, gnomAD 0.009%). This variant has not been reported in the literature in individuals affected with WASHC5-related conditions. ClinVar contains an entry for this variant (Variation ID: 1961747). Invitae Evidence Modeling of protein sequence and biophysical properties (such as structural, functional, and spatial information, amino acid conservation, physicochemical variation, residue mobility, and thermodynamic stability) indicates that this missense variant is expected to disrupt WASHC5 protein function with a positive predictive value of 80%. In summary, the available evidence is currently insufficient to determine the role of this variant in disease. Therefore, it has been classified as a Variant of Uncertain Significance.